The following is an entry in ClinVar:

ClinVar aggregate classification (germline): Uncertain significance (1 of 4 stars; one submission).

Conditions:
Hereditary cancer-predisposing syndrome. Also called: Hereditary neoplastic syndrome; Neoplastic Syndromes, Hereditary; Tumor predisposition; Hereditary Cancer Syndrome. Identifiers: Orphanet 140162, MedGen C0027672, MeSH D009386, MONDO:0015356.

gnomAD v4.1: 1 of 1,539,648 alleles (0.000065%); highest among the groups gnomAD compares: Non-Finnish European, 0.000087%; no homozygotes.

Submission:

Ambry Genetics
Classification: Uncertain significance for Hereditary cancer-predisposing syndrome. Last evaluated: 2025-07-01. Review status: criteria provided, single submitter. Criteria: Ambry Variant Classification Scheme 2023. Collection method: clinical testing. Allele origin: germline.
Comment: The p.I22T variant (also known as c.65T>C), located in coding exon 2 of the POT1 gene, results from a T to C substitution at nucleotide position 65. The isoleucine at codon 22 is replaced by threonine, an amino acid with similar properties. This amino acid position is conserved. In addition, this alteration is predicted to be tolerated by in silico analysis. Based on the available evidence, the clinical significance of this variant remains unclear.

NM_015450.3(POT1):c.65T>C (p.Ile22Thr)

Gene: POT1 (protection of telomeres 1; minus strand). Cytogenetic location: 7q31.33.
Variant type: single nucleotide variant.
Coding change: c.65T>C on transcript NM_015450.3 (MANE Select); coding-DNA position 65, T replaced by C.
Protein change: p.Ile22Thr; replaces isoleucine 22 with threonine.
Molecular consequence: missense variant. On other transcripts: 5 prime UTR variant (1), non-coding transcript variant (3).
Genome position (GRCh38, 1-based): chr7:124,892,325, A>G on the plus strand (T>C on the coding strand, the complement: POT1 is on the minus strand). VCF-style: chr7-124892325-A-G. GRCh37 (hg19) VCF-style: chr7-124532379-A-G.
Other names: c.-198T>C (NM_001042594.2); short protein forms I22T.
Identifiers: ClinVar variation 4141928 (VCV004141928.1).